The following is an entry in ClinVar:

NM_001182.5(ALDH7A1):c.770T>C (p.Ile257Thr)

Gene: ALDH7A1 (aldehyde dehydrogenase 7 family member A1; minus strand). Cytogenetic location: 5q23.2.
Variant type: single nucleotide variant.
Coding change: c.770T>C on transcript NM_001182.5 (MANE Select); coding-DNA position 770, T replaced by C.
Protein change: p.Ile257Thr; replaces isoleucine 257 with threonine.
Molecular consequence: missense variant.
Genome position (GRCh38, 1-based): chr5:126,570,785, A>G on the plus strand (T>C on the coding strand, the complement: ALDH7A1 is on the minus strand). VCF-style: chr5-126570785-A-G. GRCh37 (hg19) VCF-style: chr5-125906477-A-G.
Other names: c.686T>C, p.Ile229Thr (NM_001201377.2); c.770T>C, p.Ile257Thr (NM_001202404.2); c.770T>C (NM_001182.4); short protein forms I229T, I257T.
Identifiers: ClinVar variation 1440534 (VCV001440534.4), dbSNP rs776202861, ClinGen allele CA3389666.

ClinVar aggregate classification (germline): Uncertain significance. Review status: criteria provided, multiple submitters, no conflicts (2 of 4 stars). 3 submissions from 3 submitters: Uncertain significance (3). Last evaluated 2023-04-11.

Conditions:
Inborn genetic diseases. Identifiers: MedGen C0950123, MeSH D030342.
Pyridoxine-dependent epilepsy (EPEO4). Also called: Pyridoxine-Dependent Epilepsy - ALDH7A1; PYRIDOXINE DEPENDENCY WITH SEIZURES; EPILEPSY, EARLY-ONSET, 4, VITAMIN B6-DEPENDENT; Pyridoxine-Dependent Seizures. Identifiers: Orphanet 3006, MedGen C1849508, MONDO:0009945, OMIM 266100. Disease mechanism: loss of function.

Allele frequency attached by ClinVar (database versions not stated): gnomAD 0.00001; gnomAD exomes below 0.00001; ExAC 0.00001.
gnomAD v4.1: 6 of 1,613,862 alleles (0.00037%); highest among the groups gnomAD compares: Admixed American, 0.0017%; no homozygotes.

Submissions (3):

Genome-Nilou Lab
Classification: Uncertain significance for Pyridoxine-dependent epilepsy. Last evaluated: 2023-04-11. Review status: criteria provided, single submitter. Criteria: ACMG Guidelines, 2015. Collection method: clinical testing. Allele origin: germline. Affected: no.

Labcorp Genetics (formerly Invitae), Labcorp
Classification: Uncertain significance for Pyridoxine-dependent epilepsy. Last evaluated: 2022-07-19. Review status: criteria provided, single submitter. Criteria: Invitae Variant Classification Sherloc (09022015). Collection method: clinical testing. Allele origin: germline.
Comment: This sequence change replaces isoleucine, which is neutral and non-polar, with threonine, which is neutral and polar, at codon 257 of the ALDH7A1 protein (p.Ile257Thr). This variant is present in population databases (rs776202861, gnomAD 0.003%). This variant has not been reported in the literature in individuals affected with ALDH7A1-related conditions. ClinVar contains an entry for this variant (Variation ID: 1440534). Advanced modeling of protein sequence and biophysical properties (such as structural, functional, and spatial information, amino acid conservation, physicochemical variation, residue mobility, and thermodynamic stability) performed at Invitae indicates that this missense variant is expected to disrupt ALDH7A1 protein function. In summary, the available evidence is currently insufficient to determine the role of this variant in disease. Therefore, it has been classified as a Variant of Uncertain Significance.

Ambry Genetics
Classification: Uncertain significance for Inborn genetic diseases. Last evaluated: 2021-07-23. Review status: criteria provided, single submitter. Criteria: Ambry Variant Classification Scheme 2023. Collection method: clinical testing. Allele origin: germline.